The following is an entry in ClinVar:

NM_002528.7(NTHL1):c.479A>G (p.Asp160Gly)

Gene: NTHL1 (nth like DNA glycosylase 1; minus strand). Cytogenetic location: 16p13.3.
Variant type: single nucleotide variant.
Coding change: c.479A>G on transcript NM_002528.7 (MANE Select); coding-DNA position 479, A replaced by G.
Protein change: p.Asp160Gly; replaces aspartic acid 160 with glycine.
Molecular consequence: missense variant. On other transcripts: intron variant (1).
Genome position (GRCh38, 1-based): chr16:2,044,676, T>C on the plus strand (A>G on the coding strand, the complement: NTHL1 is on the minus strand). VCF-style: chr16-2044676-T-C. GRCh37 (hg19) VCF-style: chr16-2094677-T-C.
Other names: c.149A>G, p.Asp50Gly (NM_001318194.2); c.355-950A>G (NM_001318193.2); short protein forms D50G, D160G.
Identifiers: ClinVar variation 971902 (VCV000971902.11), dbSNP rs1288936702, ClinGen allele CA394294190.

ClinVar aggregate classification (germline): Uncertain significance. Review status: criteria provided, multiple submitters, no conflicts (2 of 4 stars). 3 submissions from 3 submitters: Uncertain significance (3). Last evaluated 2023-11-16.

Conditions:
Hereditary cancer-predisposing syndrome. Also called: Neoplastic Syndromes, Hereditary; Hereditary Cancer Syndrome; Tumor predisposition; Hereditary neoplastic syndrome. Identifiers: Orphanet 140162, MedGen C0027672, MeSH D009386, MONDO:0015356.

Allele frequency attached by ClinVar (database versions not stated): gnomAD exomes below 0.00001.
gnomAD v4.1: 1 of 1,611,364 alleles (0.000062%); highest among the groups gnomAD compares: East Asian, 0.0022%; no homozygotes.

Submissions (3):

Ambry Genetics
Classification: Uncertain significance for Hereditary cancer-predisposing syndrome. Last evaluated: 2023-11-16. Review status: criteria provided, single submitter. Criteria: Ambry Variant Classification Scheme 2023. Collection method: clinical testing. Allele origin: germline.
Comment: The p.D168G variant (also known as c.503A>G), located in coding exon 3 of the NTHL1 gene, results from an A to G substitution at nucleotide position 503. The aspartic acid at codon 168 is replaced by glycine, an amino acid with similar properties. This amino acid position is highly conserved in available vertebrate species. In addition, this alteration is predicted to be deleterious by in silico analysis. Since supporting evidence is limited at this time, the clinical significance of this alteration remains unclear.

Labcorp Genetics (formerly Invitae), Labcorp
Classification: Uncertain significance. Last evaluated: 2023-06-16. Review status: criteria provided, single submitter. Criteria: Invitae Variant Classification Sherloc (09022015). Collection method: clinical testing. Allele origin: germline.
Comment: The frequency data for this variant in the population databases is considered unreliable, as metrics indicate poor data quality at this position in the gnomAD database. This variant has not been reported in the literature in individuals affected with NTHL1-related conditions. This sequence change replaces aspartic acid, which is acidic and polar, with glycine, which is neutral and non-polar, at codon 168 of the NTHL1 protein (p.Asp168Gly). RNA analysis performed to evaluate the impact of this missense change on mRNA splicing indicates it does not significantly alter splicing (Invitae). In summary, the available evidence is currently insufficient to determine the role of this variant in disease. Therefore, it has been classified as a Variant of Uncertain Significance. An algorithm developed to predict the effect of missense changes on protein structure and function (PolyPhen-2) suggests that this variant is likely to be tolerated. ClinVar contains an entry for this variant (Variation ID: 971902).

GeneDx
Classification: Uncertain significance. Last evaluated: 2019-12-17. Review status: criteria provided, single submitter. Criteria: GeneDx Variant Classification Process June 2021. Collection method: clinical testing. Allele origin: germline. Affected: yes.
Comment: Not observed at a significant frequency in large population cohorts (Lek 2016); In silico analysis, which includes protein predictors and evolutionary conservation, supports a deleterious effect; Has not been previously published as pathogenic or benign to our knowledge